The following is an entry in ClinVar:

ClinVar aggregate classification (germline): Benign/Likely benign. Review status: criteria provided, multiple submitters, no conflicts (2 of 4 stars). 8 submissions from 8 submitters: Benign (2); Likely benign (4). 2 of the submissions do not count toward it. Last evaluated 2026-01-21.

Conditions:
Usher syndrome type 2C. Also called: Usher syndrome, type 2B; USHER SYNDROME, TYPE IIC. Identifiers: Orphanet 231178, Orphanet 886, MedGen C2931213, MONDO:0011558, OMIM 605472.

Allele frequency attached by ClinVar (database versions not stated): TOPMed 0.00043; gnomAD 0.00045 and 0.00036; ExAC 0.00087; gnomAD exomes 0.00097 and 0.00021; 1000 Genomes Project 0.00220; 1000 Genomes Project 30x 0.00234; ESP Exome Variant Server 0.00008.
gnomAD v4.1: 424 of 1,613,956 alleles (0.026%); highest among the groups gnomAD compares: East Asian, 0.74%; 9 homozygotes.

Submissions (8):

Labcorp Genetics (formerly Invitae), Labcorp
Classification: Benign. Last evaluated: 2026-01-21. Review status: criteria provided, single submitter. Criteria: Invitae Variant Classification Sherloc (09022015). Collection method: clinical testing. Allele origin: germline.

CeGaT Center for Human Genetics Tuebingen
Classification: Likely benign. Last evaluated: 2025-12-01. Review status: criteria provided, single submitter. Criteria: CeGaT Center For Human Genetics Tuebingen Variant Classification Criteria Version 2. Collection method: clinical testing. Allele origin: germline. Affected: yes. Observed: 1 variant allele.
Comment: ADGRV1: BP4, BP7

Blueprint Genetics
Classification: Likely benign. Last evaluated: 2024-11-20. Review status: criteria provided, single submitter. Criteria: ACMG Guidelines, 2015. Collection method: clinical testing. Allele origin: germline.

GeneDx
Classification: Likely benign. Last evaluated: 2021-05-19. Review status: criteria provided, single submitter. Criteria: GeneDx Variant Classification Process June 2021. Collection method: clinical testing. Allele origin: germline. Affected: yes.

Illumina Laboratory Services, Illumina
Classification: Likely benign for Usher syndrome type 2C. Last evaluated: 2018-01-12. Review status: criteria provided, single submitter. Criteria: ICSL Variant Classification Criteria 13 December 2019. Collection method: clinical testing. Allele origin: germline.
Comment: This variant was observed in the ICSL laboratory as part of a predisposition screen in an ostensibly healthy population. It had not been previously curated by ICSL or reported in the Human Gene Mutation Database (HGMD: prior to June 1st, 2018), and was therefore a candidate for classification through an automated scoring system. Utilizing variant allele frequency, disease prevalence and penetrance estimates, and inheritance mode, an automated score was calculated to assess if this variant is too frequent to cause the disease. Based on the score and internal cut-off values, a variant classified as likely benign is not then subjected to further curation. The score for this variant resulted in a classification of likely benign for this disease.

Laboratory for Molecular Medicine, Mass General Brigham Personalized Medicine
Classification: Benign. Last evaluated: 2017-02-16. Review status: criteria provided, single submitter. Criteria: LMM Criteria. Collection method: clinical testing. Allele origin: germline. Observed: 2 variant alleles.
Comment: p.Leu2063Leu in Exon 28 of GPR98: This variant is not expected to have clinical significance because it does not alter an amino acid residue, is not located wit hin the splice consensus sequence, and has been identified in 1.2% (101/8608) of East Asian chromosomes by the Exome Aggregation Consortium (ExAC.; dbSNP rs75019370).

Clinical Genetics DNA and cytogenetics Diagnostics Lab, Erasmus MC, Erasmus Medical Center
Classification: Likely benign. Review status: no assertion criteria provided. Collection method: clinical testing. Allele origin: germline. Affected: yes. Study: VKGL Data-share Consensus. Not counted in ClinVar's aggregate classification.

Clinical Genetics, Academic Medical Center
Classification: Benign. Review status: no assertion criteria provided. Collection method: clinical testing. Allele origin: germline. Affected: yes. Study: VKGL Data-share Consensus. Not counted in ClinVar's aggregate classification.

NM_032119.4(ADGRV1):c.6187T>C (p.Leu2063=)

Gene: ADGRV1 (adhesion G protein-coupled receptor V1; plus strand). Cytogenetic location: 5q14.3.
Variant type: single nucleotide variant.
Coding change: c.6187T>C on transcript NM_032119.4 (MANE Select); coding-DNA position 6187, T replaced by C.
Protein change: p.Leu2063=; no amino-acid change (leucine 2063 retained).
Molecular consequence: synonymous variant. On other transcripts: non-coding transcript variant (1).
Genome position (GRCh38, 1-based): chr5:90,684,108, T>C. VCF-style: chr5-90684108-T-C. GRCh37 (hg19) VCF-style: chr5-89979925-T-C.
Identifiers: ClinVar variation 504580 (VCV000504580.28), dbSNP rs75019370, ClinGen allele CA3339719.